The following is an entry in ClinVar:

NM_006070.6(TFG):c.557G>A (p.Gly186Asp)

Gene: TFG (trafficking from ER to golgi regulator; plus strand). Cytogenetic location: 3q12.2.
Variant type: single nucleotide variant.
Coding change: c.557G>A on transcript NM_006070.6 (MANE Select); coding-DNA position 557, G replaced by A.
Protein change: p.Gly186Asp; replaces glycine 186 with aspartic acid.
Molecular consequence: missense variant.
Genome position (GRCh38, 1-based): chr3:100,732,649, G>A. VCF-style: chr3-100732649-G-A. GRCh37 (hg19) VCF-style: chr3-100451493-G-A.
Other names: c.557G>A, p.Gly186Asp (NM_001007565.2, NM_001195478.2, NM_001195479.2); short protein forms G186D.
Identifiers: ClinVar variation 1384909 (VCV001384909.8), dbSNP rs369981362, ClinGen allele CA2517108.

ClinVar aggregate classification (germline): Uncertain significance (1 of 4 stars; one submission).

Conditions:
Hereditary motor and sensory neuropathy, Okinawa type (HMSNO). Also called: HEREDITARY MOTOR AND SENSORY NEUROPATHY, PROXIMAL TYPE. Identifiers: Orphanet 90117, MedGen C1858338, MONDO:0011468, OMIM 604484.
Hereditary spastic paraplegia 57. Also called: Spastic paraplegia 57, autosomal recessive. Identifiers: Orphanet 431329, MedGen C3714897, MONDO:0014295, OMIM 615658.

Allele frequency attached by ClinVar (database versions not stated): gnomAD exomes below 0.00001 and 0.00002; ExAC 0.00002; gnomAD 0.00005; TOPMed 0.00006; ESP Exome Variant Server 0.00015.
gnomAD v4.1: 12 of 1,610,232 alleles (0.00075%); highest among the groups gnomAD compares: African/African-American, 0.015%; no homozygotes.

Submission:

Labcorp Genetics (formerly Invitae), Labcorp
Classification: Uncertain significance for Hereditary motor and sensory neuropathy, Okinawa type; Hereditary spastic paraplegia 57. Last evaluated: 2024-07-21. Review status: criteria provided, single submitter. Criteria: Invitae Variant Classification Sherloc (09022015). Collection method: clinical testing. Allele origin: germline.
Comment: This sequence change replaces glycine, which is neutral and non-polar, with aspartic acid, which is acidic and polar, at codon 186 of the TFG protein (p.Gly186Asp). This variant is present in population databases (rs369981362, gnomAD 0.03%). This variant has not been reported in the literature in individuals affected with TFG-related conditions. ClinVar contains an entry for this variant (Variation ID: 1384909). Advanced modeling of protein sequence and biophysical properties (such as structural, functional, and spatial information, amino acid conservation, physicochemical variation, residue mobility, and thermodynamic stability) performed at Invitae indicates that this missense variant is not expected to disrupt TFG protein function with a negative predictive value of 80%. In summary, the available evidence is currently insufficient to determine the role of this variant in disease. Therefore, it has been classified as a Variant of Uncertain Significance.